The following is an entry in ClinVar:

NM_002734.5(PRKAR1A):c.529A>C (p.Ile177Leu)

Gene: PRKAR1A (protein kinase cAMP-dependent type I regulatory subunit alpha; plus strand). Cytogenetic location: 17q24.2.
Variant type: single nucleotide variant.
Coding change: c.529A>C on transcript NM_002734.5 (MANE Select); coding-DNA position 529, A replaced by C.
Protein change: p.Ile177Leu; replaces isoleucine 177 with leucine.
Molecular consequence: missense variant.
Genome position (GRCh38, 1-based): chr17:68,524,938, A>C. VCF-style: chr17-68524938-A-C. GRCh37 (hg19) VCF-style: chr17-66521079-A-C.
Other names: c.529A>C, p.Ile177Leu (NM_001276289.2, NM_001276290.1, NM_001278433.2 and 4 more transcripts); short protein forms I177L.
Identifiers: ClinVar variation 2809735 (VCV002809735.3), dbSNP rs2509412851, ClinGen allele CA400752989.

ClinVar aggregate classification (germline): Uncertain significance (1 of 4 stars; one submission).

Conditions:
Carney complex, type 1 (CNC1). Also called: CARNEY COMPLEX, TYPE I; CARNEY MYXOMA-ENDOCRINE COMPLEX. Identifiers: Orphanet 1359, MedGen C2607929, MONDO:0008057, OMIM 160980.

Submission:

Labcorp Genetics (formerly Invitae), Labcorp
Classification: Uncertain significance for Carney complex, type 1. Last evaluated: 2022-10-27. Review status: criteria provided, single submitter. Criteria: Invitae Variant Classification Sherloc (09022015). Collection method: clinical testing. Allele origin: germline.
Comment: In summary, the available evidence is currently insufficient to determine the role of this variant in disease. Therefore, it has been classified as a Variant of Uncertain Significance. Advanced modeling of protein sequence and biophysical properties (such as structural, functional, and spatial information, amino acid conservation, physicochemical variation, residue mobility, and thermodynamic stability) performed at Invitae indicates that this missense variant is not expected to disrupt PRKAR1A protein function. This variant has not been reported in the literature in individuals affected with PRKAR1A-related conditions. This variant is not present in population databases (gnomAD no frequency). This sequence change replaces isoleucine, which is neutral and non-polar, with leucine, which is neutral and non-polar, at codon 177 of the PRKAR1A protein (p.Ile177Leu).